The following is an entry in ClinVar:

NM_001165963.4(SCN1A):c.986G>T (p.Gly329Val)

Gene: SCN1A (sodium voltage-gated channel alpha subunit 1; minus strand). Cytogenetic location: 2q24.3.
Variant type: single nucleotide variant.
Coding change: c.986G>T on transcript NM_001165963.4 (MANE Select); coding-DNA position 986, G replaced by T.
Protein change: p.Gly329Val; replaces glycine 329 with valine.
Molecular consequence: missense variant. On other transcripts: 5 prime UTR variant (1), non-coding transcript variant (1).
Genome position (GRCh38, 1-based): chr2:166,048,928, C>A on the plus strand (G>T on the coding strand, the complement: SCN1A is on the minus strand). VCF-style: chr2-166048928-C-A. GRCh37 (hg19) VCF-style: chr2-166905438-C-A.
Other names: p.G329V:GGT>GTT; c.986G>T, p.Gly329Val (NM_001165964.3, NM_001202435.3, NM_001353948.2 and 10 more transcripts); c.-1440G>T (NM_001353961.2); c.986G>T (LRG_8t1); short protein forms G329V.
Identifiers: ClinVar variation 206755 (VCV000206755.47), dbSNP rs779184118, ClinGen allele CA317185.

ClinVar aggregate classification (germline): Pathogenic/Likely pathogenic. Review status: criteria provided, multiple submitters, no conflicts (2 of 4 stars). 4 submissions from 4 submitters: Pathogenic (1); Likely pathogenic (3). Last evaluated 2023-11-15.

Conditions:
Generalized epilepsy with febrile seizures plus, type 2 (GEFSP2). Also called: GEFS+, TYPE 2. Identifiers: Orphanet 36387, MedGen C1858673, MONDO:0011461, OMIM 604403.
Severe myoclonic epilepsy in infancy (DRVT). Also called: Epileptic encephalopathy, early infantile, 6 (Dravet syndrome); DEVELOPMENTAL AND EPILEPTIC ENCEPHALOPATHY 6A; Severe Myoclonic Epilepsy in Infancy (SMEI); SEVERE MYOCLONIC EPILEPSY OF INFANCY; Dravet syndrome. Identifiers: Orphanet 33069, MedGen C0751122, MONDO:0100135, OMIM 607208.

Submissions (4):

GeneDx
Classification: Likely pathogenic. Last evaluated: 2023-11-15. Review status: criteria provided, single submitter. Criteria: GeneDx Variant Classification Process June 2021. Collection method: clinical testing. Allele origin: germline. Affected: yes.
Comment: Identified in a patient with early-onset epilepsy in the published literature (PMID: 36403551); Missense variants in this gene are a common cause of disease and they are underrepresented in the general population; Not observed at significant frequency in large population cohorts (gnomAD); In silico analysis supports that this missense variant has a deleterious effect on protein structure/function; This substitution is within the extracellular loop between the S5 and S6 transmembrane segments of the first homologous domain; This variant is associated with the following publications: (PMID: 37334821, 36403551)

Mendelics
Classification: Pathogenic for Severe myoclonic epilepsy in infancy. Last evaluated: 2019-05-28. Review status: criteria provided, single submitter. Criteria: Mendelics Assertion Criteria 2017. Collection method: clinical testing. Allele origin: unknown.

Equipe Genetique des Anomalies du Developpement, Université de Bourgogne
Classification: Likely pathogenic for Generalized epilepsy with febrile seizures plus, type 2. Last evaluated: 2017-10-02. Review status: criteria provided, single submitter. Criteria: ACMG Guidelines, 2015. Collection method: clinical testing. Allele origin: unknown. Affected: yes. Study: Clinvar_gadteam_Clinical_exome_analysis_3.

CeGaT Center for Human Genetics Tuebingen
Classification: Likely pathogenic. Last evaluated: 2017-07-01. Review status: criteria provided, single submitter. Criteria: CeGaT Center For Human Genetics Tuebingen Variant Classification Criteria Version 2. Collection method: clinical testing. Allele origin: germline. Affected: yes. Observed: 1 variant allele.